The following is an entry in ClinVar:

NM_000255.4(MMUT):c.454C>T (p.Arg152Ter)

Gene: MMUT (methylmalonyl-CoA mutase; minus strand). Cytogenetic location: 6p12.3.
Variant type: single nucleotide variant.
Coding change: c.454C>T on transcript NM_000255.4 (MANE Select); coding-DNA position 454, C replaced by T.
Protein change: p.Arg152Ter; replaces arginine 152 with a stop codon.
Molecular consequence: nonsense.
Genome position (GRCh38, 1-based): chr6:49,457,990, G>A on the plus strand (C>T on the coding strand, the complement: MMUT is on the minus strand). VCF-style: chr6-49457990-G-A. GRCh37 (hg19) VCF-style: chr6-49425703-G-A.
Other names: short protein forms R152*.
Identifiers: ClinVar variation 426467 (VCV000426467.20), dbSNP rs780068818, ClinGen allele CA3847107.

ClinVar aggregate classification (germline): Pathogenic. Review status: criteria provided, multiple submitters, no conflicts (2 of 4 stars). 7 submissions from 7 submitters: Pathogenic (6). 1 of the submissions does not count toward it. Last evaluated 2025-10-14.

Conditions:
Methylmalonic aciduria due to complete methylmalonyl-CoA mutase deficiency.
Methylmalonic acidemia (MMA). Also called: Isolated Methylmalonic Acidemia. Identifiers: MedGen C0268583, MeSH C537358, MONDO:0002012, HP:0002912.
Methylmalonic aciduria due to methylmalonyl-CoA mutase deficiency (MAMM). Also called: Methylmalonic aciduria, mut type. Identifiers: Orphanet 27, MedGen C1855114, MONDO:0009612, OMIM 251000.

Allele frequency attached by ClinVar (database versions not stated): TOPMed below 0.00001; gnomAD 0.00001; gnomAD exomes 0.00001 and 0.00002; ExAC 0.00003.
gnomAD v4.1: 16 of 1,606,626 alleles (0.001%); highest among the groups gnomAD compares: Admixed American, 0.0067%; no homozygotes.

Submissions (7):

Natera, Inc.
Classification: Pathogenic for Methylmalonic aciduria due to complete methylmalonyl-CoA mutase deficiency. Last evaluated: 2025-10-14. Review status: criteria provided, single submitter. Criteria: Natera Variant Classification Schema (03/2026). Collection method: clinical testing. Allele origin: germline.
Comment: The c.454C>T variant in MMUT is a nonsense variant predicted to introduce a stop codon at amino acid 152. This variant is expected to result in nonsense mediated decay, truncation, or a dysfunctional protein product. This variant is rare in the general population with a frequency below the threshold expected for the associated phenotype(s). This variant has been observed in one or more individuals affected with the associated recessive disease, as either homozygous or compound heterozygous with a second variant (PMID: 22727635, 26454439). Given the available evidence, this variant is classified as Pathogenic.

Labcorp Genetics (formerly Invitae), Labcorp
Classification: Pathogenic. Last evaluated: 2025-07-21. Review status: criteria provided, single submitter. Criteria: Invitae Variant Classification Sherloc (09022015). Collection method: clinical testing. Allele origin: germline.
Comment: This sequence change creates a premature translational stop signal (p.Arg152*) in the MUT gene. It is expected to result in an absent or disrupted protein product. Loss-of-function variants in MUT are known to be pathogenic (PMID: 15781192). This variant is present in population databases (rs780068818, gnomAD 0.01%). This premature translational stop signal has been observed in individuals with methylmalonic acidemia (PMID: 16281286). ClinVar contains an entry for this variant (Variation ID: 426467). For these reasons, this variant has been classified as Pathogenic.

Department of Pathology and Laboratory Medicine, Sinai Health System
Classification: Pathogenic for Methylmalonic aciduria due to methylmalonyl-CoA mutase deficiency. Last evaluated: 2023-04-17. Review status: criteria provided, single submitter. Criteria: ACMG Guidelines, 2015. Collection method: research. Allele origin: germline.

Fulgent Genetics
Classification: Pathogenic for Methylmalonic aciduria due to methylmalonyl-CoA mutase deficiency. Last evaluated: 2022-02-05. Review status: criteria provided, single submitter. Criteria: ACMG Guidelines, 2015. Collection method: clinical testing. Allele origin: unknown.

Women's Health and Genetics/Laboratory Corporation of America, LabCorp
Classification: Pathogenic for Methylmalonic acidemia. Last evaluated: 2019-07-19. Review status: criteria provided, single submitter. Criteria: LabCorp Variant Classification Summary - May 2015. Collection method: clinical testing. Allele origin: germline.
Comment: Variant summary: MUT c.454C>T (p.Arg152X) results in a premature termination codon, predicted to cause a truncation of the encoded protein or absence of the protein due to nonsense mediated decay, which are commonly known mechanisms for disease. Truncations downstream of this position have been classified as pathogenic by our laboratory. The variant allele was found at a frequency of 2.4e-05 in 245204 control chromosomes (gnomAD). The variant, c.454C>T, has been reported in the literature in multiple individuals affected with Methylmalonic Acidemia (Martinez_2005, Wogan_2006, Liu_2012). These data indicate that the variant is very likely to be associated with disease. One publication, Liu_2012, reports that variant effect results in <10% of normal activity. Three ClinVar submissions from other clinical diagnostic laboratories (evaluation after 2014) classified the variant as pathogenic. Based on the evidence outlined above, the variant was classified as pathogenic.

GeneDx
Classification: Pathogenic. Last evaluated: 2017-04-14. Review status: criteria provided, single submitter. Criteria: GeneDx Variant Classification (06012015). Collection method: clinical testing. Allele origin: germline. Affected: yes.
Comment: The R152X nonsense variant in the MUT gene has been reported previously in association with methylmalonic acidemia. (MartÃ­nez et al., 2005; DÃ¼ndar et al., 2012; Sawangareetrakul et al., 2015). The R152X variant is not observed at a significant frequency in large population cohorts (Lek et al., 2016; 1000 Genomes Consortium et al., 2015; Exome Variant Server). This pathogenic variant is predicted to cause loss of normal protein function either through protein truncation or nonsense-mediated mRNA decay. In summary, we interpret R152X to be a pathogenic variant.

Counsyl
Classification: Pathogenic for Methylmalonic aciduria due to methylmalonyl-CoA mutase deficiency. Last evaluated: 2017-06-27. Review status: no assertion criteria provided. Collection method: clinical testing. Allele origin: unknown. Not counted in ClinVar's aggregate classification.

Literature cited by the submitters: PubMed 22727635 (cited by Natera, Inc.); PubMed 26454439 (cited by Natera, Inc.); PubMed 15781192 (cited by Labcorp Genetics (formerly Invitae), Labcorp and Women's Health and Genetics/Laboratory Corporation of America, LabCorp); PubMed 16281286 (cited by 3 submitters); PubMed 23430940 (cited by Women's Health and Genetics/Laboratory Corporation of America, LabCorp).